The following is an entry in ClinVar:

NM_004329.3(BMPR1A):c.1561C>T (p.Leu521Phe)

Gene: BMPR1A (bone morphogenetic protein receptor type 1A; plus strand). Cytogenetic location: 10q23.2.
Variant type: single nucleotide variant.
Coding change: c.1561C>T on transcript NM_004329.3 (MANE Select); coding-DNA position 1561, C replaced by T.
Protein change: p.Leu521Phe; replaces leucine 521 with phenylalanine.
Molecular consequence: missense variant.
Genome position (GRCh38, 1-based): chr10:86,923,681, C>T. VCF-style: chr10-86923681-C-T. GRCh37 (hg19) VCF-style: chr10-88683438-C-T.
Other names: c.1636C>T, p.Leu546Phe (NM_001406559.1); c.1609C>T, p.Leu537Phe (NM_001406560.1); c.1561C>T, p.Leu521Phe (NM_001406561.1, NM_001406562.1, NM_001406563.1 and 19 more transcripts); c.1477C>T, p.Leu493Phe (NM_001406585.1, NM_001406586.1, NM_001406587.1 and 2 more transcripts); c.1219C>T, p.Leu407Phe (NM_001406589.1); c.1555C>T, p.Leu519Phe (NM_001406583.1); short protein forms L546F, L493F, L519F, L521F, L407F, L537F.
Identifiers: ClinVar variation 1775273 (VCV001775273.6), dbSNP rs2539652627, ClinGen allele CA377463969.

ClinVar aggregate classification (germline): Uncertain significance. Review status: criteria provided, multiple submitters, no conflicts (2 of 4 stars). 2 submissions from 2 submitters: Uncertain significance (2). Last evaluated 2026-07-15.

Conditions:
Juvenile polyposis syndrome (JPS). Identifiers: Orphanet 2929, MedGen C0345893, MONDO:0017380, OMIM 174900.
Hereditary cancer-predisposing syndrome. Also called: Hereditary Cancer Syndrome; Hereditary neoplastic syndrome; Neoplastic Syndromes, Hereditary; Tumor predisposition. Identifiers: Orphanet 140162, MedGen C0027672, MeSH D009386, MONDO:0015356.

Submissions (2):

Ambry Genetics
Classification: Uncertain significance for Hereditary cancer-predisposing syndrome. Last evaluated: 2026-07-15. Review status: criteria provided, single submitter. Criteria: Ambry Variant Classification Scheme 2023. Collection method: clinical testing. Allele origin: germline.
Comment: The p.L521F variant (also known as c.1561C>T), located in coding exon 11 of the BMPR1A gene, results from a C to T substitution at nucleotide position 1561. The leucine at codon 521 is replaced by phenylalanine, an amino acid with highly similar properties. This amino acid position is highly conserved in available vertebrate species. In addition, this alteration is predicted to be deleterious by in silico analysis. Based on the available evidence, the clinical significance of this variant remains unclear.

Labcorp Genetics (formerly Invitae), Labcorp
Classification: Uncertain significance for Juvenile polyposis syndrome. Last evaluated: 2024-04-15. Review status: criteria provided, single submitter. Criteria: Invitae Variant Classification Sherloc (09022015). Collection method: clinical testing. Allele origin: germline.
Comment: This sequence change replaces leucine, which is neutral and non-polar, with phenylalanine, which is neutral and non-polar, at codon 521 of the BMPR1A protein (p.Leu521Phe). This variant is not present in population databases (gnomAD no frequency). This variant has not been reported in the literature in individuals affected with BMPR1A-related conditions. ClinVar contains an entry for this variant (Variation ID: 1775273). Advanced modeling of protein sequence and biophysical properties (such as structural, functional, and spatial information, amino acid conservation, physicochemical variation, residue mobility, and thermodynamic stability) has been performed at Invitae for this missense variant, however the output from this modeling did not meet the statistical confidence thresholds required to predict the impact of this variant on BMPR1A protein function. In summary, the available evidence is currently insufficient to determine the role of this variant in disease. Therefore, it has been classified as a Variant of Uncertain Significance.